The following is an entry in ClinVar:

NM_001009944.3(PKD1):c.12609del (p.Leu4204fs)

Gene: PKD1 (polycystin 1, transient receptor potential channel interacting; minus strand). Cytogenetic location: 16p13.3.
Variant type: Deletion.
Coding change: c.12609del on transcript NM_001009944.3 (MANE Select); coding-DNA position 12609, one base deleted (G; older notation c.12609delG).
Protein change: p.Leu4204fs; shifts the reading frame from leucine 4204.
Molecular consequence: frameshift variant.
Genome position (GRCh38, 1-based): chr16:2,090,030, C deleted on the plus strand (G on the coding strand, the reverse complement: PKD1 is on the minus strand); the first of 2 consecutive C bases (chr16:2,090,030-2,090,031); deleting either gives the same sequence. VCF-style (leftmost placement, unchanged base first): chr16-2090029-GC-G. GRCh37 (hg19) VCF-style: chr16-2140030-GC-G.
Other names: c.12606del, p.Leu4203fs (NM_000296.4); short protein forms L4203fs, L4204fs.
Identifiers: ClinVar variation 3381905 (VCV003381905.2).
Genomic context (GRCh38, chr16:2,090,029, plus strand): 5'-TGAGCAGGGCCTCGAACACGGCTTGGAGGCGGGAGGGCTCAGGCTCACACCTTGTCCCCA[GC>G]CGGCCCAGGCTCACGCTCAGCCCATCCAGCTGGCTGGAGGAGGTGGAGGGGTGCGAGGCA-3'

ClinVar aggregate classification (germline): Likely pathogenic (1 of 4 stars; one submission).

Conditions:
Polycystic kidney disease, adult type (PKD1). Also called: POLYCYSTIC KIDNEY DISEASE, ADULT, TYPE I; Polycystic Kidney Disease 1, Autosomal Dominant; Polycystic kidney disease 1; Polycystic kidney disease 1, severe; Polycystic Kidney, Autosomal Dominant; POLYCYSTIC KIDNEY DISEASE 1 WITH OR WITHOUT POLYCYSTIC LIVER DISEASE. Identifiers: MedGen C3149841, MONDO:0008263, OMIM 173900.

Submission:

Juno Genomics, Hangzhou Juno Genomics, Inc
Classification: Likely pathogenic for Polycystic kidney disease, adult type. Review status: criteria provided, single submitter. Criteria: ACMG Guidelines, 2015. Collection method: clinical testing. Allele origin: germline. Affected: yes.
Comment: Absent from controls (or at extremely low frequency if recessive) in Genome Aggregation Database, Exome Sequencing Project, 1000 Genomes Project, or Exome Aggregation Consortium.;Null variant in a gene where loss of function (LOF) is a known mechanism of disease.;Patient's phenotype or family history is highly specific for a disease with a single genetic etiology.